The following is an entry in ClinVar:

NM_000038.6(APC):c.3746_3747delinsAA (p.Cys1249Ter)

Gene: APC (APC regulator of Wnt signaling pathway; plus strand). Cytogenetic location: 5q22.2.
Variant type: Indel.
Coding change: c.3746_3747delinsAA on transcript NM_000038.6 (MANE Select); coding-DNA positions 3746 to 3747, GC replaced by AA.
Protein change: p.Cys1249Ter; replaces cysteine 1249 with a stop codon.
Molecular consequence: nonsense.
Genome position (GRCh38, 1-based): chr5:112,839,340-112,839,341, GC replaced by AA. VCF-style: chr5-112839340-GC-AA. GRCh37 (hg19) VCF-style: chr5-112175037-GC-AA.
Other names: c.3746_3747delinsAA, p.Cys1249Ter (NM_001127510.3, NM_001354895.2); c.3692_3693delinsAA, p.Cys1231Ter (NM_001127511.3); c.3800_3801delinsAA, p.Cys1267Ter (NM_001354896.2); c.3776_3777delinsAA, p.Cys1259Ter (NM_001354897.2); c.3671_3672delinsAA, p.Cys1224Ter (NM_001354898.2); c.3662_3663delinsAA, p.Cys1221Ter (NM_001354899.2); c.3623_3624delinsAA, p.Cys1208Ter (NM_001354900.2); c.3569_3570delinsAA, p.Cys1190Ter (NM_001354901.2); and 5 more; short protein forms C1089*, C1123*, C1148*, C1158*, C1190*, C1208*, C1221*, C1224*.
Identifiers: ClinVar variation 1070307 (VCV001070307.10), dbSNP rs2149898255, ClinGen allele CA2499217478.

ClinVar aggregate classification (germline): Pathogenic (1 of 4 stars; one submission).

Conditions:
Familial adenomatous polyposis 1 (FAP1). Also called: FAMILIAL ADENOMATOUS POLYPOSIS 1, ATTENUATED; POLYPOSIS, ADENOMATOUS INTESTINAL. Identifiers: MedGen C2713442, MONDO:0021056, OMIM 175100. Disease mechanism: loss of function.

Submission:

Labcorp Genetics (formerly Invitae), Labcorp
Classification: Pathogenic for Familial adenomatous polyposis 1. Last evaluated: 2025-07-15. Review status: criteria provided, single submitter. Criteria: Invitae Variant Classification Sherloc (09022015). Collection method: clinical testing. Allele origin: germline.
Comment: This sequence change creates a premature translational stop signal (p.Cys1249*) in the APC gene. While this is not anticipated to result in nonsense mediated decay, it is expected to disrupt the last 1595 amino acid(s) of the APC protein. Information on the frequency of this variant in the gnomAD database is not available, as this variant may be reported differently in the database. This premature translational stop signal has been observed in individual(s) with familial adenomatous polyposis (PMID: 1316610). ClinVar contains an entry for this variant (Variation ID: 1070307). This variant is expected to disrupt the EB1 and HDLG binding sites, which mediate interactions with the cytoskeleton (PMID: 15311282, 17293347). While functional studies have not been performed to directly test the effect on APC protein function, this suggests that disruption of the C-terminal portion of the protein is functionally important. A different truncation (p.Tyr2645Lysfs*14) that lies downstream of this variant has been determined to be pathogenic (PMID: 9824584, 1316610, 27081525, 8381579, 22135120, internal data). This suggests that deletion of this region of the APC protein is causative of disease. For these reasons, this variant has been classified as Pathogenic.

Literature cited by the submitters: PubMed 1316610; PubMed 15311282; PubMed 17293347; PubMed 9824584; PubMed 27081525; PubMed 8381579; PubMed 22135120.